The following is an entry in ClinVar:

ClinVar aggregate classification (germline): Uncertain significance. Review status: criteria provided, multiple submitters, no conflicts (2 of 4 stars). 2 submissions from 2 submitters: Uncertain significance (2). Last evaluated 2024-04-18.

Conditions:
FG syndrome (FGS). Identifiers: MedGen C0220769, MONDO:0002010.

Allele frequency attached by ClinVar (database versions not stated): gnomAD exomes below 0.00001.
gnomAD v4.1: 1 of 1,199,519 alleles (0.000083%); highest among the groups gnomAD compares: Non-Finnish European, 0.00011%; no homozygotes.

Submissions (2):

GeneDx
Classification: Uncertain significance. Last evaluated: 2024-04-18. Review status: criteria provided, single submitter. Criteria: GeneDx Variant Classification Process June 2021. Collection method: clinical testing. Allele origin: germline.
Comment: Not observed at significant frequency in large population cohorts (gnomAD); In silico analysis supports that this missense variant does not alter protein structure/function; Has not been previously published as pathogenic or benign to our knowledge

Labcorp Genetics (formerly Invitae), Labcorp
Classification: Uncertain significance for FG syndrome. Last evaluated: 2022-08-08. Review status: criteria provided, single submitter. Criteria: Invitae Variant Classification Sherloc (09022015). Collection method: clinical testing. Allele origin: germline.
Comment: This variant has not been reported in the literature in individuals affected with MED12-related conditions. This variant is not present in population databases (gnomAD no frequency). This sequence change replaces glutamic acid, which is acidic and polar, with glutamine, which is neutral and polar, at codon 1758 of the MED12 protein (p.Glu1758Gln). Algorithms developed to predict the effect of missense changes on protein structure and function (SIFT, PolyPhen-2, Align-GVGD) all suggest that this variant is likely to be disruptive. In summary, the available evidence is currently insufficient to determine the role of this variant in disease. Therefore, it has been classified as a Variant of Uncertain Significance.

NM_005120.3(MED12):c.5272G>C (p.Glu1758Gln)

Gene: MED12 (mediator complex subunit 12; plus strand). Cytogenetic location: Xq13.1.
Variant type: single nucleotide variant.
Coding change: c.5272G>C on transcript NM_005120.3 (MANE Select); coding-DNA position 5272, G replaced by C.
Protein change: p.Glu1758Gln; replaces glutamic acid 1758 with glutamine.
Molecular consequence: missense variant.
Genome position (GRCh38, 1-based): chrX:71,136,527, G>C. VCF-style: chrX-71136527-G-C. GRCh37 (hg19) VCF-style: chrX-70356377-G-C.
Other names: c.5272G>C (NM_005120.2); short protein forms E1758Q.
Identifiers: ClinVar variation 1715665 (VCV001715665.7), dbSNP rs2519711669, ClinGen allele CA413534687.